The following is an entry in ClinVar:

ClinVar aggregate classification (germline): Uncertain significance (1 of 4 stars; one submission).

Conditions:
Inborn genetic diseases. Identifiers: MedGen C0950123, MeSH D030342.

Submission:

Ambry Genetics
Classification: Uncertain significance for Inborn genetic diseases. Last evaluated: 2020-04-15. Review status: criteria provided, single submitter. Criteria: Ambry Variant Classification Scheme 2023. Collection method: clinical testing. Allele origin: germline.
Comment: The alteration results in an amino acid change:_x000D_ _x000D_ The c.187A>C (p.N63H) alteration is located in exon 2 (coding exon 1) of the GJA1 gene. This alteration results from an A to C substitution at nucleotide position 187, causing the asparagine (N) at amino acid position 63 to be replaced by a histidine (H). The alteration is not observed in population databases: _x000D_ _x000D_ Based on data from the Genome Aggregation Database (gnomAD), the GJA1 c.187A>C alteration was not observed, with coverage at this position. The altered amino acid is conserved throughout evolution:_x000D_ _x000D_ The N63 amino acid is conserved in available vertebrate species. in silico prediction is inconclusive:_x000D_ _x000D_ The in silico prediction for the N63H alteration is inconclusive. Based on insufficient or conflicting evidence, the clinical significance of this alteration remains unclear.

NM_000165.5(GJA1):c.187A>C (p.Asn63His)

Gene: GJA1 (gap junction protein alpha 1; plus strand). Cytogenetic location: 6q22.31.
Variant type: single nucleotide variant.
Coding change: c.187A>C on transcript NM_000165.5 (MANE Select); coding-DNA position 187, A replaced by C.
Protein change: p.Asn63His; replaces asparagine 63 with histidine.
Molecular consequence: missense variant.
Genome position (GRCh38, 1-based): chr6:121,447,034, A>C. VCF-style: chr6-121447034-A-C. GRCh37 (hg19) VCF-style: chr6-121768180-A-C.
Other names: short protein forms N63H.
Identifiers: ClinVar variation 985815 (VCV000985815.4), dbSNP rs1773900443, ClinGen allele CA365558163.
Genomic context (GRCh38, chr6:121,447,034, plus strand): 5'-TCAGCCTGGGGAGATGAGCAGTCTGCCTTTCGTTGTAACACTCAGCAACCTGGTTGTGAA[A>C]ATGTCTGCTATGACAAGTCTTTCCCAATCTCTCATGTGCGCTTCTGGGTCCTGCAGATCA-3'
Protein context (NP_000156.1, residues 53-73): RCNTQQPGCE[Asn63His]VCYDKSFPIS